The following is an entry in ClinVar:

NM_000238.4(KCNH2):c.1639G>A (p.Ala547Thr)

Gene: KCNH2 (potassium voltage-gated channel subfamily H member 2; minus strand). Cytogenetic location: 7q36.1.
Variant type: single nucleotide variant.
Coding change: c.1639G>A on transcript NM_000238.4 (MANE Select); coding-DNA position 1639, G replaced by A.
Protein change: p.Ala547Thr; replaces alanine 547 with threonine.
Molecular consequence: missense variant.
Genome position (GRCh38, 1-based): chr7:150,951,754, C>T on the plus strand (G>A on the coding strand, the complement: KCNH2 is on the minus strand). VCF-style: chr7-150951754-C-T. GRCh37 (hg19) VCF-style: chr7-150648842-C-T.
Other names: c.1639G>A (NM_000238.2); c.619G>A, p.Ala207Thr (NM_001204798.2, NM_172057.3); c.1351G>A, p.Ala451Thr (NM_001406753.1, NM_001406756.1); c.1462G>A, p.Ala488Thr (NM_001406755.1); c.1339G>A, p.Ala447Thr (NM_001406757.1); c.1639G>A, p.Ala547Thr (NM_172056.3); short protein forms A547T, A207T, A447T, A451T, A488T.
Identifiers: ClinVar variation 663436 (VCV000663436.15), dbSNP rs376021230, ClinGen allele CA169076979.

ClinVar aggregate classification (germline): Uncertain significance. Review status: criteria provided, multiple submitters, no conflicts (2 of 4 stars). 4 submissions from 4 submitters: Uncertain significance (4). Last evaluated 2026-04-22.

Conditions:
Cardiac arrhythmia. Also called: Arrhythmia; Cardiac rhythm disease. Identifiers: MedGen C0003811, MONDO:0007263, HP:0011675.
Long QT syndrome (LQTS). Identifiers: MedGen C0023976, MeSH D008133, MONDO:0002442. Disease mechanism: loss of function. Inheritance: Various modes of inheritance.

Allele frequency attached by ClinVar (database versions not stated): gnomAD exomes 0.00001; TOPMed 0.00002; gnomAD 0.00001; ESP Exome Variant Server 0.00008.

Submissions (4):

GeneDx
Classification: Uncertain significance. Last evaluated: 2026-04-22. Review status: criteria provided, single submitter. Criteria: GeneDx Variant Classification Process June 2021. Collection method: clinical testing. Allele origin: germline.
Comment: Not observed at significant frequency in large population cohorts (gnomAD); In silico analysis supports that this missense variant has a deleterious effect on protein structure/function; Published functional studies demonstrate no effect on potassium channel trafficking to the cell surface (PMID: 32522694); This variant is associated with the following publications: (PMID: 32522694)

Labcorp Genetics (formerly Invitae), Labcorp
Classification: Uncertain significance for Long QT syndrome. Last evaluated: 2026-01-14. Review status: criteria provided, single submitter. Criteria: Invitae Variant Classification Sherloc (09022015). Collection method: clinical testing. Allele origin: germline.
Comment: This sequence change replaces alanine, which is neutral and non-polar, with threonine, which is neutral and polar, at codon 547 of the KCNH2 protein (p.Ala547Thr). This variant is present in population databases (rs376021230, gnomAD 0.006%). This variant has not been reported in the literature in individuals affected with KCNH2-related conditions. ClinVar contains an entry for this variant (Variation ID: 663436). An algorithm developed to predict the effect of missense changes on protein structure and function (PolyPhen-2) suggests that this variant is likely to be disruptive. In summary, the available evidence is currently insufficient to determine the role of this variant in disease. Therefore, it has been classified as a Variant of Uncertain Significance.

AiLife Diagnostics
Classification: Uncertain significance. Last evaluated: 2021-12-31. Review status: criteria provided, single submitter. Criteria: ACMG Guidelines, 2015. Collection method: clinical testing. Allele origin: germline. Affected: yes. Observed: 1 variant allele.

Color Diagnostics, LLC DBA Color Health
Classification: Uncertain significance for Arrhythmia. Last evaluated: 2018-11-09. Review status: criteria provided, single submitter. Criteria: ACMG Guidelines, 2015. Collection method: clinical testing. Allele origin: germline.